The following is an entry in ClinVar:

NM_031220.4(PITPNM3):c.374G>A (p.Cys125Tyr)

Gene: PITPNM3 (PITPNM family member 3; minus strand). Cytogenetic location: 17p13.2.
Variant type: single nucleotide variant.
Coding change: c.374G>A on transcript NM_031220.4 (MANE Select); coding-DNA position 374, G replaced by A.
Protein change: p.Cys125Tyr; replaces cysteine 125 with tyrosine.
Molecular consequence: missense variant.
Genome position (GRCh38, 1-based): chr17:6,483,730, C>T on the plus strand (G>A on the coding strand, the complement: PITPNM3 is on the minus strand). VCF-style: chr17-6483730-C-T. GRCh37 (hg19) VCF-style: chr17-6387050-C-T.
Other names: c.266G>A, p.Cys89Tyr (NM_001165966.2); short protein forms C125Y, C89Y.
Identifiers: ClinVar variation 1978151 (VCV001978151.5), dbSNP rs2544032855, ClinGen allele CA397411230.

ClinVar aggregate classification (germline): Uncertain significance (1 of 4 stars; one submission).

Submission:

Labcorp Genetics (formerly Invitae), Labcorp
Classification: Uncertain significance. Last evaluated: 2025-12-03. Review status: criteria provided, single submitter. Criteria: Invitae Variant Classification Sherloc (09022015). Collection method: clinical testing. Allele origin: germline.
Comment: This sequence change replaces cysteine, which is neutral and slightly polar, with tyrosine, which is neutral and polar, at codon 125 of the PITPNM3 protein (p.Cys125Tyr). This variant is not present in population databases (gnomAD no frequency). This variant has not been reported in the literature in individuals affected with PITPNM3-related conditions. ClinVar contains an entry for this variant (Variation ID: 1978151). Invitae Evidence Modeling of protein sequence and biophysical properties (such as structural, functional, and spatial information, amino acid conservation, physicochemical variation, residue mobility, and thermodynamic stability) indicates that this missense variant is not expected to disrupt PITPNM3 protein function with a negative predictive value of 80%. In summary, the available evidence is currently insufficient to determine the role of this variant in disease. Therefore, it has been classified as a Variant of Uncertain Significance.